The following is an entry in ClinVar:

NM_017636.4(TRPM4):c.3512G>A (p.Arg1171His)

Gene: TRPM4 (transient receptor potential cation channel subfamily M member 4; plus strand). Cytogenetic location: 19q13.33.
Variant type: single nucleotide variant.
Coding change: c.3512G>A on transcript NM_017636.4 (MANE Select); coding-DNA position 3512, G replaced by A.
Protein change: p.Arg1171His; replaces arginine 1171 with histidine.
Molecular consequence: missense variant.
Genome position (GRCh38, 1-based): chr19:49,211,065, G>A. VCF-style: chr19-49211065-G-A. GRCh37 (hg19) VCF-style: chr19-49714322-G-A.
Other names: c.3077G>A, p.Arg1026His (NM_001195227.2); c.3167G>A, p.Arg1056His (NM_001321281.2); c.1904G>A, p.Arg635His (NM_001321282.2); c.2990G>A, p.Arg997His (NM_001321283.2); c.2450G>A, p.Arg817His (NM_001321285.2); short protein forms R1026H, R1171H, R817H, R997H, R1056H, R635H.
Identifiers: ClinVar variation 222854 (VCV000222854.7), dbSNP rs762615860, ClinGen allele CA351372.

ClinVar aggregate classification (germline): Uncertain significance. Review status: criteria provided, multiple submitters, no conflicts (2 of 4 stars). 4 submissions from 4 submitters: Uncertain significance (4). Last evaluated 2026-02-09.

Conditions:
Cardiovascular phenotype. Identifiers: MedGen CN230736.
Progressive familial heart block type IB (PFHB1B). Identifiers: Orphanet 871, MedGen C1970298, MONDO:0011474, OMIM 604559.

Allele frequency attached by ClinVar (database versions not stated): TOPMed 0.00002; gnomAD 0.00003.
gnomAD v4.1: 68 of 1,613,980 alleles (0.0042%); highest among the groups gnomAD compares: Non-Finnish European, 0.0055%; no homozygotes.

Submissions (4):

Women's Health and Genetics/Laboratory Corporation of America, LabCorp
Classification: Uncertain significance. Last evaluated: 2026-02-09. Review status: criteria provided, single submitter. Criteria: LabCorp Variant Classification Summary - May 2015. Collection method: clinical testing. Allele origin: germline.
Comment: Variant summary: TRPM4 c.3512G>A (p.Arg1171His) results in a non-conservative amino acid change in the encoded protein sequence. Algorithms developed to predict the effect of missense changes on protein structure and function are either unavailable or do not agree on the potential impact of this missense change. The variant allele was found at a frequency of 1.2e-05 in 250856 control chromosomes. The available data on variant occurrences in the general population are insufficient to allow any conclusion about variant significance. To our knowledge, no occurrence of c.3512G>A in individuals affected with TRPM4-related conditions and no experimental evidence demonstrating its impact on protein function have been reported. ClinVar contains an entry for this variant (Variation ID: 222854). Based on the evidence outlined above, the variant was classified as uncertain significance.

Labcorp Genetics (formerly Invitae), Labcorp
Classification: Uncertain significance for Progressive familial heart block type IB. Last evaluated: 2025-10-03. Review status: criteria provided, single submitter. Criteria: Invitae Variant Classification Sherloc (09022015). Collection method: clinical testing. Allele origin: germline.
Comment: This sequence change replaces arginine, which is basic and polar, with histidine, which is basic and polar, at codon 1171 of the TRPM4 protein (p.Arg1171His). This variant is present in population databases (rs762615860, gnomAD 0.003%). This variant has not been reported in the literature in individuals affected with TRPM4-related conditions. ClinVar contains an entry for this variant (Variation ID: 222854). An algorithm developed to predict the effect of missense changes on protein structure and function (PolyPhen-2) suggests that this variant is likely to be disruptive. In summary, the available evidence is currently insufficient to determine the role of this variant in disease. Therefore, it has been classified as a Variant of Uncertain Significance.

Ambry Genetics
Classification: Uncertain significance for Cardiovascular phenotype. Last evaluated: 2020-08-10. Review status: criteria provided, single submitter. Criteria: Ambry Variant Classification Scheme 2023. Collection method: clinical testing. Allele origin: germline.
Comment: The p.R1171H variant (also known as c.3512G>A), located in coding exon 23 of the TRPM4 gene, results from a G to A substitution at nucleotide position 3512. The arginine at codon 1171 is replaced by histidine, an amino acid with highly similar properties. This amino acid position is well conserved in available vertebrate species. In addition, this alteration is predicted to be tolerated by in silico analysis. Since supporting evidence is limited at this time, the clinical significance of this alteration remains unclear.

Blueprint Genetics
Classification: Uncertain significance. Last evaluated: 2020-02-19. Review status: criteria provided, single submitter. Criteria: ACMG Guidelines, 2015. Collection method: clinical testing. Allele origin: germline.